The following is an entry in ClinVar:

NM_006918.5(SC5D):c.343+1G>T

Gene: SC5D (sterol-C5-desaturase; plus strand). Cytogenetic location: 11q24.1.
Variant type: single nucleotide variant.
Coding change: c.343+1G>T on transcript NM_006918.5 (MANE Select); the canonical splice donor site of the intron after coding-DNA position 343, G replaced by T.
Molecular consequence: splice donor variant.
Genome position (GRCh38, 1-based): chr11:121,304,494, G>T. VCF-style: chr11-121304494-G-T. GRCh37 (hg19) VCF-style: chr11-121175203-G-T.
Other names: c.343+1G>T (NM_001024956.3).
Identifiers: ClinVar variation 3347048 (VCV003347048.1).

ClinVar aggregate classification (germline): Uncertain significance (0 of 4 stars; one submission).

Conditions:
SC5D-related disorder. Also called: SC5D-related condition.

gnomAD v4.1: 1 of 1,613,112 alleles (0.000062%); highest among the groups gnomAD compares: Non-Finnish European, 0.000085%; no homozygotes.

Submission:

PreventionGenetics, part of Exact Sciences
Classification: Uncertain significance for SC5D-related condition. Last evaluated: 2024-09-08. Review status: no assertion criteria provided. Collection method: clinical testing. Allele origin: germline.
Comment: The SC5D c.343+1G>T variant is predicted to disrupt the GT donor site and interfere with normal splicing. To our knowledge, this variant has not been reported in the literature. This variant is reported in 0.00088% of alleles in individuals of European (Non-Finnish) descent in gnomAD. At this time, the clinical significance of this variant is uncertain due to the absence of conclusive functional and genetic evidence.